The following is an entry in ClinVar:

ClinVar aggregate classification (germline): Pathogenic (1 of 4 stars; one submission).

Conditions:
Cohen syndrome (COH1). Also called: PEPPER SYNDROME; Cutis verticis gyrata, retinitis pigmentosa, and sensorineural deafness. Identifiers: Orphanet 193, MedGen C0265223, MONDO:0008999, OMIM 216550.

Submission:

Labcorp Genetics (formerly Invitae), Labcorp
Classification: Pathogenic for Cohen syndrome. Last evaluated: 2024-03-05. Review status: criteria provided, single submitter. Criteria: Invitae Variant Classification Sherloc (09022015). Collection method: clinical testing. Allele origin: germline.
Comment: This sequence change creates a premature translational stop signal (p.Ser589Ilefs*4) in the VPS13B gene. It is expected to result in an absent or disrupted protein product. Loss-of-function variants in VPS13B are known to be pathogenic (PMID: 15141358, 16648375, 20461111). This variant is not present in population databases (gnomAD no frequency). This variant has not been reported in the literature in individuals affected with VPS13B-related conditions. Algorithms developed to predict the effect of sequence changes on RNA splicing suggest that this variant may disrupt the consensus splice site. For these reasons, this variant has been classified as Pathogenic.

Literature cited by the submitters: PubMed 15141358; PubMed 16648375; PubMed 20461111.

NM_152564.5(VPS13B):c.1766_1775del (p.Ser589fs)

Gene: VPS13B (vacuolar protein sorting 13 homolog B; plus strand). Cytogenetic location: 8q22.2.
Variant type: Deletion.
Coding change: c.1766_1775del on transcript NM_152564.5 (MANE Select); coding-DNA positions 1766 to 1775, 10 bases deleted (GTGCGGTGCA; older notation c.1766_1775delGTGCGGTGCA).
Protein change: p.Ser589fs; shifts the reading frame from serine 589.
Molecular consequence: frameshift variant.
Genome position (GRCh38, 1-based): chr8:99,143,088-99,143,097, GTGCGGTGCA deleted; deleting any 10 consecutive bases within chr8:99,143,085-99,143,097 gives the same sequence; the c. name uses the placement nearest the transcript's 3' end. VCF-style (leftmost placement, unchanged base first): chr8-99143084-AGCAGTGCGGT-A. GRCh37 (hg19) VCF-style: chr8-100155312-AGCAGTGCGGT-A.
Other names: c.1766_1775del, p.Ser589fs (NM_015243.3, NM_017890.5); short protein forms S589fs.
Identifiers: ClinVar variation 3644556 (VCV003644556.2).